The following is an entry in ClinVar:

NM_003283.6(TNNT1):c.700G>A (p.Glu234Lys)

Gene: TNNT1 (troponin T1, slow skeletal type; minus strand). Cytogenetic location: 19q13.42.
Variant type: single nucleotide variant.
Coding change: c.700G>A on transcript NM_003283.6 (MANE Select); coding-DNA position 700, G replaced by A.
Protein change: p.Glu234Lys; replaces glutamic acid 234 with lysine.
Molecular consequence: missense variant.
Genome position (GRCh38, 1-based): chr19:55,134,116, C>T on the plus strand (G>A on the coding strand, the complement: TNNT1 is on the minus strand). VCF-style: chr19-55134116-C-T. GRCh37 (hg19) VCF-style: chr19-55645484-C-T.
Other names: c.652G>A, p.Glu218Lys (NM_001126132.3); c.619G>A, p.Glu207Lys (NM_001126133.3, NM_001291774.2); short protein forms E207K, E234K, E218K.
Identifiers: ClinVar variation 1524706 (VCV001524706.6), dbSNP rs1188124969, ClinGen allele CA407431757.

ClinVar aggregate classification (germline): Uncertain significance (1 of 4 stars; one submission).

Conditions:
Nemaline myopathy 5 (NEM5A). Also called: NEMALINE MYOPATHY, AMISH TYPE; NEMALINE MYOPATHY 5A, AUTOSOMAL RECESSIVE, SEVERE INFANTILE; Nemaline myopathy 5, Amish type. Identifiers: Orphanet 98902, MedGen C1854380, MONDO:0011539, OMIM 605355.

Allele frequency attached by ClinVar (database versions not stated): gnomAD exomes 0.00001; TOPMed 0.00001; gnomAD 0.00002.
gnomAD v4.1: 9 of 1,611,942 alleles (0.00056%); highest among the groups gnomAD compares: Non-Finnish European, 0.00076%; no homozygotes.

Submission:

Labcorp Genetics (formerly Invitae), Labcorp
Classification: Uncertain significance for Nemaline myopathy 5. Last evaluated: 2022-06-27. Review status: criteria provided, single submitter. Criteria: Invitae Variant Classification Sherloc (09022015). Collection method: clinical testing. Allele origin: germline.
Comment: In summary, the available evidence is currently insufficient to determine the role of this variant in disease. Therefore, it has been classified as a Variant of Uncertain Significance. Algorithms developed to predict the effect of missense changes on protein structure and function are either unavailable or do not agree on the potential impact of this missense change (SIFT: "Deleterious"; PolyPhen-2: "Probably Damaging"; Align-GVGD: "Class C0"). This variant has not been reported in the literature in individuals affected with TNNT1-related conditions. This variant is not present in population databases (gnomAD no frequency). This sequence change replaces glutamic acid, which is acidic and polar, with lysine, which is basic and polar, at codon 234 of the TNNT1 protein (p.Glu234Lys).